The following is an entry in ClinVar:

NM_001029883.3(PCARE):c.*2300C>T

Gene: PCARE (photoreceptor cilium actin regulator; minus strand). Cytogenetic location: 2p23.2.
Variant type: single nucleotide variant.
Coding change: c.*2300C>T on transcript NM_001029883.3 (MANE Select); 2300 bases downstream of the stop codon, C replaced by T.
Molecular consequence: 3 prime UTR variant.
Genome position (GRCh38, 1-based): chr2:29,062,569, G>A on the plus strand (C>T on the coding strand, the complement: PCARE is on the minus strand). VCF-style: chr2-29062569-G-A. GRCh37 (hg19) VCF-style: chr2-29285435-G-A.
Identifiers: ClinVar variation 335586 (VCV000335586.5), dbSNP rs115478100, ClinGen allele CA10614931.

ClinVar aggregate classification (germline): Likely benign (1 of 4 stars; one submission).

Conditions:
Retinitis pigmentosa (RP). Identifiers: Orphanet 791, MedGen C0035334, MeSH D012174, MONDO:0019200, OMIM 268000. Inheritance: Autosomal dominant, autosomal recessive and X linked inheritance.

Allele frequency attached by ClinVar (database versions not stated): gnomAD 0.01390 and 0.01474; TOPMed 0.01501; 1000 Genomes Project 0.01518; 1000 Genomes Project 30x 0.01577.

Submission:

Illumina Laboratory Services, Illumina
Classification: Likely benign for Retinitis pigmentosa. Last evaluated: 2018-01-13. Review status: criteria provided, single submitter. Criteria: ICSL Variant Classification Criteria 13 December 2019. Collection method: clinical testing. Allele origin: germline.
Comment: This variant was observed in the ICSL laboratory as part of a predisposition screen in an ostensibly healthy population. It had not been previously curated by ICSL or reported in the Human Gene Mutation Database (HGMD: prior to June 1st, 2018), and was therefore a candidate for classification through an automated scoring system. Utilizing variant allele frequency, disease prevalence and penetrance estimates, and inheritance mode, an automated score was calculated to assess if this variant is too frequent to cause the disease. Based on the score and internal cut-off values, a variant classified as likely benign is not then subjected to further curation. The score for this variant resulted in a classification of likely benign for this disease.